The following is an entry in ClinVar:

NM_138694.4(PKHD1):c.9530T>C (p.Ile3177Thr)

Gene: PKHD1 (PKHD1 ciliary IPT domain containing fibrocystin/polyductin; minus strand). Cytogenetic location: 6p12.3.
Variant type: single nucleotide variant.
Coding change: c.9530T>C on transcript NM_138694.4 (MANE Select); coding-DNA position 9530, T replaced by C.
Protein change: p.Ile3177Thr; replaces isoleucine 3177 with threonine.
Molecular consequence: missense variant.
Genome position (GRCh38, 1-based): chr6:51,748,086, A>G on the plus strand (T>C on the coding strand, the complement: PKHD1 is on the minus strand). VCF-style: chr6-51748086-A-G. GRCh37 (hg19) VCF-style: chr6-51612884-A-G.
Other names: c.9530T>C (NM_170724.2); c.9530T>C, p.Ile3177Thr (NM_170724.3); short protein forms I3177T.
Identifiers: ClinVar variation 377018 (VCV000377018.37), dbSNP rs200511261, ClinGen allele CA3851379.
Genomic context (GRCh38, chr6:51,748,086, plus strand): 5'-TGCACTTTTTTGACGGAATTTTGTGGAGCAGAAAATACATACACTACTGCCAAAAGACCA[A>G]TAGTATTGTCTACCAGAGTAATGTTCTCTATCTCCACGCTGTTCTCTACATGTAACATGG-3'
Protein context (NP_619639.3, residues 3167-3187): IENITLVDNT[Ile3177Thr]GLLAVVYVFS

ClinVar aggregate classification (germline): Conflicting classifications of pathogenicity. Review status: criteria provided, conflicting classifications (1 of 4 stars). 16 submissions from 15 submitters: Pathogenic (2); Likely pathogenic (7); Uncertain significance (5). 2 of the submissions do not count toward it. Last evaluated 2026-09-17.

Conditions:
PKHD1-related disorder. Also called: PKHD1-related condition.
Autosomal recessive polycystic kidney disease (ARPKD). Also called: AR polycystic kidney disease. Identifiers: Orphanet 731, Orphanet 8378, MedGen C0085548, MeSH D017044, MONDO:0009889.
Biliary tract abnormality. Identifiers: MedGen C0549613, MONDO:0004868, HP:0001080.
Polycystic kidney disease 4 (PKD4). Also called: Autosomal Recessive Polycystic Kidney Disease – PKHD1; PKD3; POLYCYSTIC KIDNEY DISEASE 4 WITH OR WITHOUT POLYCYSTIC LIVER DISEASE; POLYCYSTIC KIDNEY AND HEPATIC DISEASE 1; POLYCYSTIC KIDNEY DISEASE, INFANTILE, TYPE I. Identifiers: MedGen C4540575, MONDO:0033004, OMIM 263200.

Allele frequency attached by ClinVar (database versions not stated): TOPMed 0.00002; ExAC 0.00004; gnomAD 0.00005; gnomAD exomes 0.00005 and 0.00010; ESP Exome Variant Server 0.00008.
gnomAD v4.1: 148 of 1,613,662 alleles (0.0092%); highest among the groups gnomAD compares: Non-Finnish European, 0.012%; no homozygotes.

Submissions 1 to 8 of 16:

PreventionGenetics, part of Exact Sciences
Classification: Uncertain significance for PKHD1-related condition. Last evaluated: 2026-09-17. Review status: criteria provided, single submitter. Criteria: ACMG Guidelines, 2015. Collection method: clinical testing. Allele origin: germline.
Comment: The PKHD1 c.9530T>C variant is predicted to result in the amino acid substitution p.Ile3177Thr. This variant has been reported in several patients with polycystic kidney disease. In the majority of patients, it was detected in combination with the PKHD1 variant c.2414C>T (p.Pro805Leu) (Rossetti et al. 2003. PubMed ID: 12846734; Shuster et al. 2019. PubMed ID: 30650191; Bergmann et al. 2004. PubMed ID: 15108281; Denamur et al. 2010. PubMed ID: 19940839; Internal Data, PreventionGenetics). In at least four of these patients familial testing confirmed these variants were inherited as a haplotype (in cis) on the same allele (c.[2414C>T;9530T>C] p.[Pro805Leu;Ile3177Thr]), and this haplotype was in trans with a second PKHD1 variant allele (Rossetti et al. 2003. PubMed ID: 12846734 ; Shuster. 2019. PubMed ID: 30650191; Bergmann et al. 2004. PubMed ID: 15108281). However, the c.9530T>C (p.Ile3177Thr) variant has also been reported in individuals with polycystic kidney disease without p.Pro805Leu (Rossetti et al. 2003. PubMed ID: 12846734; PreventionGenetics). In one case, it was shown to be in trans with a causative variant c.2269A>C (p.Ile757Leu) (Rossetti et al. 2003. PubMed ID: 12846734). The c.9530T>C (p.Ile3177Thr) variant is reported in 0.011% of alleles in individuals of European (Non-Finnish) descent in gnomAD. In conclusion, the haplotype c.[2414C>T;9530T>C] p.[Pro805Leu;Ile3177Thr] is considered to be pathogenic; however, the contribution of each variant is unknown. Although we suspect the c.9530T>C (p.Ile3177Thr) variant may be pathogenic, at this time, the clinical significance of this variant individually [without the c.2414C>T (p.Pro805Leu) variant] is uncertain due to the absence of conclusive functional and genetic evidence.

Otogenetics
Classification: Uncertain significance for Autosomal recessive polycystic kidney disease. Last evaluated: 2026-01-27. Review status: criteria provided, single submitter. Criteria: ACMG Guidelines, 2015. Collection method: clinical testing. Allele origin: germline.
Comment: Complex allele PKHD1 [c.2414 C>T/c.9530 T>C] is classified as likely pathogenic when the variants are confirmed in cis. PM2: Maximum gnomAD MAF of 0.012% in European-Non Finnish (NFE) subpopulation (<0.251% threshold); PM3_VeryStrong: Complex allele [c.2414 C>T/c.9530 T>C] reported in trans with multiple pathogenic variants in numerous individuals affected with early onset polycystic kidney disease (PMID: 15698423, 16133180, 18503009, 19940839)

Victorian Clinical Genetics Services, Murdoch Childrens Research Institute
Classification: Likely pathogenic for Polycystic kidney disease 4. Last evaluated: 2026-01-14. Review status: criteria provided, single submitter. Criteria: ACMG Guidelines, 2015. Collection method: clinical testing. Allele origin: germline. Affected: yes.
Comment: This variant is classified as Likely pathogenic. Evidence in support of pathogenic classification: Variant is present in gnomAD <0.01 (v4: 148 heterozygote(s), 0 homozygote(s)); This variant has moderate previous evidence of pathogenicity in unrelated individuals. This variant has been classified as pathogenic, likely pathogenic and VUS by multiple clinical laboratories and is commonly reported in cis with p.(Pro805Leu) in multiple affected individuals with ARPKD. In the majority of these individuals, a second hit has also been reported (PMID: 12846734, 15108281, 15698423, 16133180, 30650191). This variant was also identified in a fetus with nephromegaly but the zygosity of the variant and the presence of a potential second hit is unclear (PMID: 12874454). Finally, it should be noted that this variant on its own has been reported as compound heterozygous with the p.(Ile757Leu) missense variant in a fetus with echogenic kidneys (PMID: 12846734). Additional information: Variant is predicted to result in a missense amino acid change from Ile to Thr; This variant is heterozygous; This gene is associated with autosomal recessive disease; however, there are emerging reports of heterozygous carriers of PKHD1 variants developing liver cysts and nephrocalcinosis (PMID: 21945273, 36691356); An alternative amino acid change at the same position is present in gnomAD (highest allele count: v4: 14 heterozygote(s), 1 homozygote(s)); No published evidence of segregation with disease has been identified for this variant; No published functional evidence has been identified for this variant; Another missense variant comparable to the one identified in this case has inconclusive previous evidence for pathogenicity. The p.(Ile3177Val) variant has been classified once as a VUS (ClinVar); Variant is not located in an established domain, motif, hotspot or informative constraint region; Missense variant with inconclusive in silico prediction and/or uninformative conservation; Loss of function is a known mechanism of disease in this gene and is associated with polycystic kidney disease 4, with or without hepatic disease (MIM#263200); Variants in this gene are known to have variable expressivity. Significant intrafamilial variability has been reported (PMID: 20301501); Inheritance information for this variant is not currently available in this individual.

Natera, Inc.
Classification: Likely pathogenic for Autosomal recessive polycystic kidney disease. Last evaluated: 2025-10-07. Review status: criteria provided, single submitter. Criteria: Natera Variant Classification Schema (03/2026). Collection method: clinical testing. Allele origin: germline.
Comment: The c.9530T>C variant in PKHD1 is a missense variant predicted to cause substitution of isoleucine to threonine at amino acid 3177. This variant is rare in the general population with a frequency below the threshold expected for the associated phenotype(s). This variant has been observed in one or more individuals affected with the associated recessive disease, as either homozygous or compound heterozygous with a second variant (PMID: 33940108, 12846734, 16133180, 19940839, 15698423, 15108281). Computational prediction algorithms indicate this variant is likely to affect gene or protein function. Given the available evidence, this variant is classified as Likely Pathogenic.

Blueprint Genetics
Classification: Uncertain significance. Last evaluated: 2024-07-10. Review status: criteria provided, single submitter. Criteria: ACMG Guidelines, 2015. Collection method: clinical testing. Allele origin: germline.

Fulgent Genetics
Classification: Likely pathogenic for Polycystic kidney disease 4. Last evaluated: 2024-03-27. Review status: criteria provided, single submitter. Criteria: ACMG Guidelines, 2015. Collection method: clinical testing. Allele origin: germline.

Labcorp Genetics (formerly Invitae), Labcorp
Classification: Uncertain significance for Autosomal recessive polycystic kidney disease. Last evaluated: 2024-01-21. Review status: criteria provided, single submitter. Criteria: Invitae Variant Classification Sherloc (09022015). Collection method: clinical testing. Allele origin: germline.
Comment: This sequence change replaces isoleucine, which is neutral and non-polar, with threonine, which is neutral and polar, at codon 3177 of the PKHD1 protein (p.Ile3177Thr). This variant is present in population databases (rs200511261, gnomAD 0.01%). This missense change has been observed in individual(s) with polycystic kidney disease on the same chromosome with another PKHD1 variant (p.Pro805Leu)(PMID: 16133180, 15108281, 18503009, 19940839). The haplotype (Pro805Leu; Ile3177Thr) has been observed on the opposite chromosome from other pathogenic variants in an individuals affected with polycystic kidney disease (PMID: 12846734, 15108281, Invitae). ClinVar contains an entry for this variant (Variation ID: 377018). Advanced modeling of protein sequence and biophysical properties (such as structural, functional, and spatial information, amino acid conservation, physicochemical variation, residue mobility, and thermodynamic stability) has been performed at Invitae for this missense variant, however the output from this modeling did not meet the statistical confidence thresholds required to predict the impact of this variant on PKHD1 protein function. In summary, the available evidence is currently insufficient to determine the role of this variant in disease. Therefore, it has been classified as a Variant of Uncertain Significance.

GeneDx
Classification: Likely pathogenic. Last evaluated: 2021-03-22. Review status: criteria provided, single submitter. Criteria: GeneDx Variant Classification Process June 2021. Collection method: clinical testing. Allele origin: germline. Affected: yes.
Comment: Not observed at a significant frequency in large population cohorts (Lek et al., 2016); In silico analysis supports that this missense variant does not alter protein structure/function; This variant is associated with the following publications: (PMID: 31980526, 30507656, 19940839, 30595564, 15698423, 12846734, 15108281, 18503009, 30650191, 16133180, 19914852, 15108277, 12874454)